The following is an entry in ClinVar:

ClinVar aggregate classification (germline): Uncertain significance (1 of 4 stars; one submission).

Submission:

Labcorp Genetics (formerly Invitae), Labcorp
Classification: Uncertain significance. Last evaluated: 2025-11-06. Review status: criteria provided, single submitter. Criteria: Invitae Variant Classification Sherloc (09022015). Collection method: clinical testing. Allele origin: germline.
Comment: This sequence change replaces valine, which is neutral and non-polar, with alanine, which is neutral and non-polar, at codon 319 of the CEP97 protein (p.Val319Ala). This variant is not present in population databases (gnomAD no frequency). This variant has not been reported in the literature in individuals affected with CEP97-related conditions. Invitae Evidence Modeling of protein sequence and biophysical properties (such as structural, functional, and spatial information, amino acid conservation, physicochemical variation, residue mobility, and thermodynamic stability) indicates that this missense variant is not expected to disrupt CEP97 protein function with a negative predictive value of 80%. In summary, the available evidence is currently insufficient to determine the role of this variant in disease. Therefore, it has been classified as a Variant of Uncertain Significance.

NM_024548.4(CEP97):c.956T>C (p.Val319Ala)

Gene: CEP97 (centrosomal protein 97; plus strand). Cytogenetic location: 3q12.3.
Variant type: single nucleotide variant.
Coding change: c.956T>C on transcript NM_024548.4 (MANE Select); coding-DNA position 956, T replaced by C.
Protein change: p.Val319Ala; replaces valine 319 with alanine.
Molecular consequence: missense variant.
Genome position (GRCh38, 1-based): chr3:101,757,125, T>C. VCF-style: chr3-101757125-T-C. GRCh37 (hg19) VCF-style: chr3-101475969-T-C.
Other names: c.956T>C, p.Val319Ala (NM_001303401.2); c.854T>C, p.Val285Ala (NM_001410784.1, NM_001410785.1); short protein forms V285A, V319A.
Identifiers: ClinVar variation 4742425 (VCV004742425.1).